The following is an entry in ClinVar:

ClinVar aggregate classification (germline): Conflicting classifications of pathogenicity. Review status: criteria provided, conflicting classifications (1 of 4 stars). 6 submissions from 6 submitters: Uncertain significance (5); Likely benign (1). Last evaluated 2025-05-27.

Conditions:
Hereditary cancer-predisposing syndrome. Also called: Hereditary Cancer Syndrome; Hereditary neoplastic syndrome; Neoplastic Syndromes, Hereditary; Tumor predisposition. Identifiers: Orphanet 140162, MedGen C0027672, MeSH D009386, MONDO:0015356.
Familial cancer of breast. Also called: Hereditary breast cancer; BREAST CANCER, FAMILIAL; hereditary breast carcinoma. Identifiers: Orphanet 227535, MedGen C0346153, MONDO:0016419, OMIM 114480. Disease mechanism: loss of function.

Allele frequency attached by ClinVar (database versions not stated): gnomAD exomes below 0.00001.

Submissions (6):

Ambry Genetics
Classification: Likely benign for Hereditary cancer-predisposing syndrome. Last evaluated: 2025-05-27. Review status: criteria provided, single submitter. Criteria: Ambry Variant Classification Scheme 2023. Collection method: clinical testing. Allele origin: germline.

Color Diagnostics, LLC DBA Color Health
Classification: Uncertain significance for Hereditary cancer-predisposing syndrome. Last evaluated: 2023-07-18. Review status: criteria provided, single submitter. Criteria: ACMG Guidelines, 2015. Collection method: clinical testing. Allele origin: germline.
Comment: This missense variant replaces leucine with phenylalanine at codon 1150 of the PALB2 protein. Computational prediction suggests that this variant may not impact protein structure and function (internally defined REVEL score threshold <= 0.5, PMID: 27666373). To our knowledge, functional studies have not been reported for this variant. This variant has been detected in two breast cancer case-control studies in one affected individual and absent in unaffected control individuals, and in the largest of the two study it was found in 1/60466 cases and 0/53461 unaffected individuals (PMID: 26283626, 33471991; Leiden Open Variation Database DB-ID PALB2_010744). This variant has not been identified in the general population by the Genome Aggregation Database (gnomAD). The available evidence is insufficient to determine the role of this variant in disease conclusively. Therefore, this variant is classified as a Variant of Uncertain Significance.

Labcorp Genetics (formerly Invitae), Labcorp
Classification: Uncertain significance for Familial cancer of breast. Last evaluated: 2022-03-08. Review status: criteria provided, single submitter. Criteria: Invitae Variant Classification Sherloc (09022015). Collection method: clinical testing. Allele origin: germline.
Comment: This sequence change replaces leucine, which is neutral and non-polar, with phenylalanine, which is neutral and non-polar, at codon 1150 of the PALB2 protein (p.Leu1150Phe). This variant is not present in population databases (gnomAD no frequency). This missense change has been observed in individual(s) with breast cancer (PMID: 26283626). ClinVar contains an entry for this variant (Variation ID: 216755). Algorithms developed to predict the effect of missense changes on protein structure and function are either unavailable or do not agree on the potential impact of this missense change (SIFT: "Deleterious"; PolyPhen-2: "Benign"; Align-GVGD: "Class C0"). In summary, the available evidence is currently insufficient to determine the role of this variant in disease. Therefore, it has been classified as a Variant of Uncertain Significance.

Sema4
Classification: Uncertain significance for Hereditary cancer-predisposing syndrome. Last evaluated: 2021-06-28. Review status: criteria provided, single submitter. Criteria: Sema4 Curation Guidelines. Collection method: curation. Allele origin: germline.
Comment: The PALB2 c.3448C>T (p.L1150F) variant has been reported in heterozygosity in at least one individual with breast cancer (PMID: 26283626). It was not observed in the large and broad cohorts of the Genome Aggregation Database. The variant has been reported in ClinVar (Variation ID 216755). In silico tools suggest the impact of the variant on protein function is benign, though these predictions have not been confirmed by functional studies. The evidence is insufficient to meet ACMG/AMP criteria for classifying the variant as benign or pathogenic. Thus, the clinical significance of this variant is currently uncertain.

Quest Diagnostics Nichols Institute San Juan Capistrano
Classification: Uncertain significance. Last evaluated: 2020-05-25. Review status: criteria provided, single submitter. Criteria: Quest Diagnostics criteria. Collection method: clinical testing. Allele origin: unknown.

Cancer Genetics Laboratory, Peter MacCallum Cancer Centre
Classification: Uncertain significance for Familial cancer of breast. Last evaluated: 2015-06-01. Review status: criteria provided, single submitter. Criteria: Thompson et al. (Breast Cancer Res. 2015). Collection method: case-control. Allele origin: germline. Affected: yes. Observed: 1 variant allele, 1 heterozygote.

Literature cited by the submitters: PubMed 26283626 (cited by 4 submitters); PubMed 33471991 (cited by Color Diagnostics, LLC DBA Color Health).

NM_024675.4(PALB2):c.3448C>T (p.Leu1150Phe)

Gene: PALB2 (partner and localizer of BRCA2; minus strand). Cytogenetic location: 16p12.2.
Variant type: single nucleotide variant.
Coding change: c.3448C>T on transcript NM_024675.4 (MANE Select); coding-DNA position 3448, C replaced by T.
Protein change: p.Leu1150Phe; replaces leucine 1150 with phenylalanine.
Molecular consequence: missense variant.
Genome position (GRCh38, 1-based): chr16:23,603,572, G>A on the plus strand (C>T on the coding strand, the complement: PALB2 is on the minus strand). VCF-style: chr16-23603572-G-A. GRCh37 (hg19) VCF-style: chr16-23614893-G-A.
Other names: short protein forms L1150F.
Identifiers: ClinVar variation 216755 (VCV000216755.17), dbSNP rs863224787, ClinGen allele CA337664.
Genomic context (GRCh38, chr16:23,603,572, plus strand): 5'-GAGAGTCTGTACCCGACCATTTCACAAAAGACCAATGTTGGTCAGAGACAGGTGGGAGGA[G>A]GGCAGTACACTGACCGAGAAGTAAGTCCCAAATGGCAATTGTTCCAGAAGTCAAGATTGC-3'
Protein context (NP_078951.2, residues 1140-1160): WDLLLGQCTA[Leu1150Phe]LPPVSDQHWS